The following is an entry in ClinVar:

NM_000298.6(PKLR):c.880G>A (p.Val294Met)

Gene: PKLR (pyruvate kinase L/R; minus strand). Cytogenetic location: 1q22.
Variant type: single nucleotide variant.
Coding change: c.880G>A on transcript NM_000298.6 (MANE Select); coding-DNA position 880, G replaced by A.
Protein change: p.Val294Met; replaces valine 294 with methionine.
Molecular consequence: missense variant.
Genome position (GRCh38, 1-based): chr1:155,294,567, C>T on the plus strand (G>A on the coding strand, the complement: PKLR is on the minus strand). VCF-style: chr1-155294567-C-T. GRCh37 (hg19) VCF-style: chr1-155264358-C-T.
Other names: c.787G>A, p.Val263Met (NM_181871.4); short protein forms V263M, V294M.
Identifiers: ClinVar variation 3778706 (VCV003778706.2).

ClinVar aggregate classification (germline): Likely pathogenic. Review status: criteria provided, multiple submitters, no conflicts (2 of 4 stars). 2 submissions from 2 submitters: Likely pathogenic (2). Last evaluated 2025-03-17.

Conditions:
Pyruvate kinase deficiency of red cells (CNSHA2). Also called: PK DEFICIENCY; Pyruvate kinase deficiency, Amish type; PYRUVATE KINASE DEFICIENCY OF ERYTHROCYTE. Identifiers: Orphanet 766, MedGen C0340968, MONDO:0009950, OMIM 266200.

gnomAD v4.1: 1 of 1,614,230 alleles (0.000062%); no homozygotes.

Submissions (2):

Institute of Human Genetics, University of Leipzig Medical Center
Classification: Likely pathogenic for Pyruvate kinase deficiency of red cells. Last evaluated: 2025-03-17. Review status: criteria provided, single submitter. Criteria: ACMG Guidelines, 2015. Collection method: clinical testing. Allele origin: unknown. Inheritance: Autosomal recessive inheritance. Affected: yes.
Comment: Criteria applied: PM2,PM1_SUP,PM3_SUP,PP3,PP4

Revvity Omics, Revvity
Classification: Likely pathogenic. Last evaluated: 2023-12-13. Review status: criteria provided, single submitter. Criteria: ACMG Guidelines, 2015. Collection method: clinical testing. Allele origin: germline.